The following is an entry in ClinVar:

ClinVar aggregate classification (germline): Uncertain significance (1 of 4 stars; one submission).

Submission:

Ambry Genetics
Classification: Uncertain significance. Last evaluated: 2023-08-03. Review status: criteria provided, single submitter. Criteria: Ambry Variant Classification Scheme 2023. Collection method: clinical testing. Allele origin: germline.
Comment: The c.134_136delCCGinsGCA variant (also known as p.A45_G46delinsGR), located in coding exon 1 of the GALNT12 gene, results from an in-frame deletion of CCG and insertion of GCA at nucleotide positions 134 to 136. This results in the substitution of alanine and glycine residues for glycine and arginine residues at codon 45 and 46. This amino acid region is well conserved in available vertebrate species. The evidence for this gene-disease relationship is limited; therefore, the clinical significance of this alteration is unclear.

NM_024642.5(GALNT12):c.134_136delinsGCA (p.Ala45_Gly46delinsGlyArg)

Gene: GALNT12 (polypeptide N-acetylgalactosaminyltransferase 12; plus strand). Cytogenetic location: 9q22.33.
Variant type: Indel.
Coding change: c.134_136delinsGCA on transcript NM_024642.5 (MANE Select); coding-DNA positions 134 to 136, CCG replaced by GCA.
Protein change: p.Ala45_Gly46delinsGlyArg.
Molecular consequence: missense variant.
Genome position (GRCh38, 1-based): chr9:98,807,832-98,807,834, CCG replaced by GCA. VCF-style: chr9-98807832-CCG-GCA. GRCh37 (hg19) VCF-style: chr9-101570114-CCG-GCA.
Identifiers: ClinVar variation 2586458 (VCV002586458.2), dbSNP rs2490455286, ClinGen allele CA2582342009.